The following is an entry in ClinVar:

ClinVar aggregate classification (germline): Uncertain significance (1 of 4 stars; one submission).

Submission:

Labcorp Genetics (formerly Invitae), Labcorp
Classification: Uncertain significance. Last evaluated: 2022-10-24. Review status: criteria provided, single submitter. Criteria: Invitae Variant Classification Sherloc (09022015). Collection method: clinical testing. Allele origin: germline.
Comment: This sequence change replaces glycine, which is neutral and non-polar, with tryptophan, which is neutral and slightly polar, at codon 59 of the CHD8 protein (p.Gly59Trp). This variant is not present in population databases (gnomAD no frequency). This variant has not been reported in the literature in individuals affected with CHD8-related conditions. Algorithms developed to predict the effect of missense changes on protein structure and function are either unavailable or do not agree on the potential impact of this missense change (SIFT: "Deleterious"; PolyPhen-2: "Probably Damaging"; Align-GVGD: "Class C0"). In summary, the available evidence is currently insufficient to determine the role of this variant in disease. Therefore, it has been classified as a Variant of Uncertain Significance.

NM_001170629.2(CHD8):c.175G>T (p.Gly59Trp)

Gene: CHD8 (chromodomain helicase DNA binding protein 8; minus strand). Cytogenetic location: 14q11.2.
Variant type: single nucleotide variant.
Coding change: c.175G>T on transcript NM_001170629.2 (MANE Select); coding-DNA position 175, G replaced by T.
Protein change: p.Gly59Trp; replaces glycine 59 with tryptophan.
Molecular consequence: missense variant. On other transcripts: intron variant (1).
Genome position (GRCh38, 1-based): chr14:21,431,469, C>A on the plus strand (G>T on the coding strand, the complement: CHD8 is on the minus strand). VCF-style: chr14-21431469-C-A. GRCh37 (hg19) VCF-style: chr14-21899628-C-A.
Other names: c.6+342G>T (NM_020920.4); short protein forms G59W.
Identifiers: ClinVar variation 1718031 (VCV001718031.6), dbSNP rs2502016579, ClinGen allele CA388890541.